The following is an entry in ClinVar:

NM_001377.3(DYNC2H1):c.8107A>G (p.Ile2703Val)

Gene: DYNC2H1 (dynein cytoplasmic 2 heavy chain 1; plus strand). Cytogenetic location: 11q22.3.
Variant type: single nucleotide variant.
Coding change: c.8107A>G on transcript NM_001377.3 (MANE Select); coding-DNA position 8107, A replaced by G.
Protein change: p.Ile2703Val; replaces isoleucine 2703 with valine.
Molecular consequence: missense variant.
Genome position (GRCh38, 1-based): chr11:103,200,064, A>G. VCF-style: chr11-103200064-A-G. GRCh37 (hg19) VCF-style: chr11-103070793-A-G.
Other names: c.8107A>G, p.Ile2703Val (NM_001080463.2); short protein forms I2703V.
Identifiers: ClinVar variation 4015610 (VCV004015610.3).
Genomic context (GRCh38, chr11:103,200,064, plus strand): 5'-AAATACTTAAAGGGCACTAAAAAATATTTTCTGATTTTGCAGGTGCTGCAACTTGCAGGA[A>G]TTGAAGCACAACAGGTAGTTTTACTTCTTGAGGATTACCAGTTTGTACATCCTACATTTT-3'
Protein context (NP_001368.2, residues 2693-2713): DLKHVLQLAG[Ile2703Val]EAQQVVLLLE

ClinVar aggregate classification (germline): Uncertain significance. Review status: criteria provided, multiple submitters, no conflicts (2 of 4 stars). 2 submissions from 2 submitters: Uncertain significance (2). Last evaluated 2026-06-01.

Conditions:
Inborn genetic diseases. Identifiers: MedGen C0950123, MeSH D030342.

gnomAD v4.1: 27 of 1,585,764 alleles (0.0017%); highest among the groups gnomAD compares: Admixed American, 0.0052%; no homozygotes.

Submissions (2):

CeGaT Center for Human Genetics Tuebingen
Classification: Uncertain significance. Last evaluated: 2026-06-01. Review status: criteria provided, single submitter. Criteria: CeGaT Center For Human Genetics Tuebingen Variant Classification Criteria Version 2. Collection method: clinical testing. Allele origin: germline. Affected: yes. Observed: 1 variant allele.
Comment: DYNC2H1: PM2, BP4

Ambry Genetics
Classification: Uncertain significance for Inborn genetic diseases. Last evaluated: 2025-03-17. Review status: criteria provided, single submitter. Criteria: Ambry Variant Classification Scheme 2023. Collection method: clinical testing. Allele origin: germline.